The following is an entry in ClinVar:

ClinVar aggregate classification (germline): Uncertain significance. Review status: criteria provided, single submitter (1 of 4 stars). 2 submissions from 2 submitters: Uncertain significance (1). 1 of the submissions does not count toward it. Last evaluated 2023-12-21.

Conditions:
Bardet-Biedl syndrome (BBS). Identifiers: Orphanet 110, MedGen C0752166, MONDO:0015229.
BBS10-related disorder. Also called: BBS10-related condition.

Allele frequency attached by ClinVar (database versions not stated): gnomAD exomes 0.00001.
gnomAD v4.1: 15 of 1,613,834 alleles (0.00093%); highest among the groups gnomAD compares: East Asian, 0.0045%; no homozygotes.

Submissions (2):

Labcorp Genetics (formerly Invitae), Labcorp
Classification: Uncertain significance for Bardet-Biedl syndrome. Last evaluated: 2023-12-21. Review status: criteria provided, single submitter. Criteria: Invitae Variant Classification Sherloc (09022015). Collection method: clinical testing. Allele origin: germline.
Comment: This sequence change replaces methionine, which is neutral and non-polar, with valine, which is neutral and non-polar, at codon 703 of the BBS10 protein (p.Met703Val). This variant is present in population databases (no rsID available, gnomAD 0.003%). This variant has not been reported in the literature in individuals affected with BBS10-related conditions. ClinVar contains an entry for this variant (Variation ID: 2058104). Advanced modeling of protein sequence and biophysical properties (such as structural, functional, and spatial information, amino acid conservation, physicochemical variation, residue mobility, and thermodynamic stability) performed at Invitae indicates that this missense variant is not expected to disrupt BBS10 protein function with a negative predictive value of 80%. In summary, the available evidence is currently insufficient to determine the role of this variant in disease. Therefore, it has been classified as a Variant of Uncertain Significance.

PreventionGenetics, part of Exact Sciences
Classification: Uncertain significance for BBS10-related condition. Last evaluated: 2024-02-19. Review status: no assertion criteria provided. Collection method: clinical testing. Allele origin: germline. Not counted in ClinVar's aggregate classification.
Comment: The BBS10 c.2107A>G variant is predicted to result in the amino acid substitution p.Met703Val. To our knowledge, this variant has not been reported in the literature. This variant is reported in 0.0033% of alleles in individuals of South Asian descent in gnomAD. At this time, the clinical significance of this variant is uncertain due to the absence of conclusive functional and genetic evidence.

NM_024685.4(BBS10):c.2107A>G (p.Met703Val)

Gene: BBS10 (Bardet-Biedl syndrome 10; minus strand). Cytogenetic location: 12q21.2.
Variant type: single nucleotide variant.
Coding change: c.2107A>G on transcript NM_024685.4 (MANE Select); coding-DNA position 2107, A replaced by G.
Protein change: p.Met703Val; replaces methionine 703 with valine.
Molecular consequence: missense variant.
Genome position (GRCh38, 1-based): chr12:76,345,878, T>C on the plus strand (A>G on the coding strand, the complement: BBS10 is on the minus strand). VCF-style: chr12-76345878-T-C. GRCh37 (hg19) VCF-style: chr12-76739658-T-C.
Other names: c.2107A>G (NM_024685.3); short protein forms M703V.
Identifiers: ClinVar variation 2058104 (VCV002058104.5), dbSNP rs1420934523, ClinGen allele CA385808294.
Genomic context (GRCh38, chr12:76,345,878, plus strand): 5'-GTTCATCTTCTGAATCTTGATTGTGAACTTTCTGAGGGTGTCTCTTAACAGTGATTACCA[T>C]GTCAATGGTTAATATTTTTGTCAAACACTGAAGAACTGAAGTTAGTAGCTGGTATTTACC-3'
Protein context (NP_078961.3, residues 693-713): QCLTKILTID[Met703Val]VITVKRHPQK